The following is an entry in ClinVar:

NM_000891.3(KCNJ2):c.373G>A (p.Glu125Lys)

Gene: KCNJ2 (potassium inwardly rectifying channel subfamily J member 2; plus strand). Cytogenetic location: 17q24.3.
Variant type: single nucleotide variant.
Coding change: c.373G>A on transcript NM_000891.3 (MANE Select); coding-DNA position 373, G replaced by A.
Protein change: p.Glu125Lys; replaces glutamic acid 125 with lysine.
Molecular consequence: missense variant.
Genome position (GRCh38, 1-based): chr17:70,175,412, G>A. VCF-style: chr17-70175412-G-A. GRCh37 (hg19) VCF-style: chr17-68171553-G-A.
Other names: short protein forms E125K.
Identifiers: ClinVar variation 850900 (VCV000850900.10), dbSNP rs2074386756, ClinGen allele CA400860455.

ClinVar aggregate classification (germline): Uncertain significance. Review status: criteria provided, multiple submitters, no conflicts (2 of 4 stars). 2 submissions from 2 submitters: Uncertain significance (2). Last evaluated 2024-06-01.

Conditions:
Cardiovascular phenotype. Identifiers: MedGen CN230736.
Andersen Tawil syndrome (LQT7). Also called: ANDERSEN CARDIODYSRHYTHMIC PERIODIC PARALYSIS; PERIODIC PARALYSIS, POTASSIUM-SENSITIVE CARDIODYSRHYTHMIC TYPE; LONG QT SYNDROME 7; Potassium-sensitive periodic paralysis, ventricular ectopy, and dysmorphic features; Andersen Syndrome. Identifiers: Orphanet 37553, MedGen C1563715, MONDO:0008222, OMIM 170390.
Short QT syndrome type 3. Identifiers: Orphanet 51083, MedGen C1865018, MONDO:0012314, OMIM 609622.

Allele frequency attached by ClinVar (database versions not stated): gnomAD exomes below 0.00001; TOPMed below 0.00001.

Submissions (2):

Ambry Genetics
Classification: Uncertain significance for Cardiovascular phenotype. Last evaluated: 2024-06-01. Review status: criteria provided, single submitter. Criteria: Ambry Variant Classification Scheme 2023. Collection method: clinical testing. Allele origin: germline.
Comment: The p.E125K variant (also known as c.373G>A), located in coding exon 1 of the KCNJ2 gene, results from a G to A substitution at nucleotide position 373. The glutamic acid at codon 125 is replaced by lysine, an amino acid with similar properties. This amino acid position is not well conserved in available vertebrate species. In addition, the in silico prediction for this alteration is inconclusive. Based on the available evidence, the clinical significance of this variant remains unclear.

Labcorp Genetics (formerly Invitae), Labcorp
Classification: Uncertain significance for Short QT syndrome type 3; Andersen Tawil syndrome. Last evaluated: 2019-03-14. Review status: criteria provided, single submitter. Criteria: Invitae Variant Classification Sherloc (09022015). Collection method: clinical testing. Allele origin: germline.
Comment: In summary, the available evidence is currently insufficient to determine the role of this variant in disease. Therefore, it has been classified as a Variant of Uncertain Significance. This variant has been reported to affect KCNJ2 protein function (PMID: 16533896). This variant has not been reported in the literature in individuals with KCNJ2-related conditions. This variant is not present in population databases (ExAC no frequency). This sequence change replaces glutamic acid with lysine at codon 125 of the KCNJ2 protein (p.Glu125Lys). The glutamic acid residue is moderately conserved and there is a small physicochemical difference between glutamic acid and lysine.

Literature cited by the submitters: PubMed 16533896 (cited by Labcorp Genetics (formerly Invitae), Labcorp).